The following is an entry in ClinVar:

NM_024422.6(DSC2):c.1077+11G>A

Gene: DSC2 (desmocollin 2; minus strand). Cytogenetic location: 18q12.1.
Variant type: single nucleotide variant.
Coding change: c.1077+11G>A on transcript NM_024422.6 (MANE Select); 11 bases into the intron after coding-DNA position 1077, G replaced by A.
Molecular consequence: intron variant.
Genome position (GRCh38, 1-based): chr18:31,082,915, C>T on the plus strand (G>A on the coding strand, the complement: DSC2 is on the minus strand). VCF-style: chr18-31082915-C-T. GRCh37 (hg19) VCF-style: chr18-28662881-C-T.
Other names: c.1077+11G>A (NM_004949.5).
Identifiers: ClinVar variation 387045 (VCV000387045.1), dbSNP rs727504868, ClinGen allele CA16607909.

ClinVar aggregate classification (germline): Likely benign (1 of 4 stars; one submission).

gnomAD v4.1: 2 of 1,612,524 alleles (0.00012%); highest among the groups gnomAD compares: Non-Finnish European, 0.000085%; no homozygotes.

Submission:

GeneDx
Classification: Likely benign. Last evaluated: 2016-06-14. Review status: criteria provided, single submitter. Criteria: GeneDx Variant Classification (06012015). Collection method: clinical testing. Allele origin: germline. Affected: yes.
Comment: This variant is considered likely benign or benign based on one or more of the following criteria: it is a conservative change, it occurs at a poorly conserved position in the protein, it is predicted to be benign by multiple in silico algorithms, and/or has population frequency not consistent with disease.